The following is an entry in ClinVar:

NM_000053.4(ATP7B):c.3419delinsCC (p.Val1140fs)

Gene: ATP7B (ATPase copper transporting beta; minus strand). Cytogenetic location: 13q14.3.
Variant type: Indel.
Coding change: c.3419delinsCC on transcript NM_000053.4 (MANE Select); coding-DNA position 3419, T replaced by CC.
Protein change: p.Val1140fs; shifts the reading frame from valine 1140.
Molecular consequence: frameshift variant. On other transcripts: intron variant (2).
Genome position (GRCh38, 1-based): chr13:51,941,218, A replaced by GG on the plus strand (T replaced by CC on the coding strand, the reverse complement: ATP7B is on the minus strand). VCF-style: chr13-51941218-A-GG. GRCh37 (hg19) VCF-style: chr13-52515354-A-GG.
Other names: c.2798delinsCC, p.Val933fs (NM_001005918.3); c.3086delinsCC, p.Val1029fs (NM_001243182.2); c.3185delinsCC, p.Val1062fs (NM_001330578.2, NM_001406527.1, NM_001406528.1); c.3167delinsCC, p.Val1056fs (NM_001330579.2, NM_001406531.1, NM_001406532.1); c.3419delinsCC, p.Val1140fs (NM_001406511.1, NM_001406512.1, NM_001406526.1); c.3413delinsCC, p.Val1138fs (NM_001406513.1); c.3386delinsCC, p.Val1129fs (NM_001406514.1); c.3365delinsCC, p.Val1122fs (NM_001406515.1, NM_001406516.1); and 20 more; short protein forms V1027fs, V1029fs, V1030fs, V1044fs, V1056fs, V1060fs, V1062fs, V1075fs.
Identifiers: ClinVar variation 5012555 (VCV005012555.1).
Genomic context (GRCh38, chr13:51,941,218, plus strand): 5'-GTTAAACCGTTGCGCCTCAGCCACTCACGGTTTCCAATCAGCACAGAGAAGGTCTGGGGG[A>GG]CTGCATCTATTCAAAAGAGGCTGTGGTTATTTCTAAATGGTCCAATTTCACTGTGAACTA-3'

ClinVar aggregate classification (germline): Pathogenic (1 of 4 stars; one submission).

Conditions:
Wilson disease (WND). Also called: Wilson's disease. Identifiers: Orphanet 905, MedGen C0019202, MONDO:0010200, OMIM 277900. Disease mechanism: loss of function.

Submission:

Myriad Genetics, Inc.
Classification: Pathogenic for Wilson disease. Last evaluated: 2023-12-09. Review status: criteria provided, single submitter. Criteria: Myriad Autosomal Dominant, Autosomal Recessive and X-Linked Classification Criteria (2023). Collection method: clinical testing. Allele origin: unknown.
Comment: NM_000053.3(ATP7B):c.3419delTinsCC(V1140Afs*13) is expected to be pathogenic in the context of Wilson disease. This variant is predicted to lead to an abnormal or absent protein product due to the creation of a premature termination codon in ATP7B, a gene where loss-of-function variants are known to be pathogenic. Please note: this variant was assessed in the context of healthy population screening.